The following is an entry in ClinVar:

ClinVar aggregate classification (germline): Likely benign (1 of 4 stars; one submission).

Submission:

CeGaT Center for Human Genetics Tuebingen
Classification: Likely benign. Last evaluated: 2025-04-01. Review status: criteria provided, single submitter. Criteria: CeGaT Center For Human Genetics Tuebingen Variant Classification Criteria Version 2. Collection method: clinical testing. Allele origin: germline. Affected: yes. Observed: 1 variant allele.
Comment: FLG2: BP4, BP7

NM_001014342.3(FLG2):c.1863C>T (p.His621=)

Genes: CCDST (cervical cancer associated DHX9 suppressive transcript; plus strand), FLG2 (filaggrin 2; minus strand). Cytogenetic location: 1q21.3.
Variant type: single nucleotide variant.
Coding change: c.1863C>T on transcript NM_001014342.3 (MANE Select); coding-DNA position 1863, C replaced by T.
Protein change: p.His621=; no amino-acid change (histidine 621 retained).
Molecular consequence: synonymous variant.
Genome position (GRCh38, 1-based): chr1:152,355,923, G>A on the plus strand (C>T on the coding strand, the complement: FLG2 is on the minus strand). VCF-style: chr1-152355923-G-A. GRCh37 (hg19) VCF-style: chr1-152328399-G-A.
Identifiers: ClinVar variation 3898343 (VCV003898343.7).